The following is an entry in ClinVar:

NM_001130698.2(TRPC3):c.87G>C (p.Glu29Asp)

Gene: TRPC3 (transient receptor potential cation channel subfamily C member 3; minus strand). Cytogenetic location: 4q27.
Variant type: single nucleotide variant.
Coding change: c.87G>C on transcript NM_001130698.2 (MANE Select); coding-DNA position 87, G replaced by C.
Protein change: p.Glu29Asp; replaces glutamic acid 29 with aspartic acid.
Molecular consequence: missense variant.
Genome position (GRCh38, 1-based): chr4:121,951,594, C>G on the plus strand (G>C on the coding strand, the complement: TRPC3 is on the minus strand). VCF-style: chr4-121951594-C-G. GRCh37 (hg19) VCF-style: chr4-122872749-C-G.
Other names: c.87G>C, p.Glu29Asp (NM_001366479.2); short protein forms E29D.
Identifiers: ClinVar variation 2860616 (VCV002860616.3), dbSNP rs2477072464, ClinGen allele CA358053370.

ClinVar aggregate classification (germline): Uncertain significance (1 of 4 stars; one submission).

Submission:

Labcorp Genetics (formerly Invitae), Labcorp
Classification: Uncertain significance. Last evaluated: 2023-05-11. Review status: criteria provided, single submitter. Criteria: Invitae Variant Classification Sherloc (09022015). Collection method: clinical testing. Allele origin: germline.
Comment: In summary, the available evidence is currently insufficient to determine the role of this variant in disease. Therefore, it has been classified as a Variant of Uncertain Significance. An algorithm developed to predict the effect of missense changes on protein structure and function (PolyPhen-2) suggests that this variant is likely to be tolerated. This variant has not been reported in the literature in individuals affected with TRPC3-related conditions. This variant is not present in population databases (gnomAD no frequency). This sequence change replaces glutamic acid, which is acidic and polar, with aspartic acid, which is acidic and polar, at codon 29 of the TRPC3 protein (p.Glu29Asp).